The following is an entry in ClinVar:

NM_000061.3(BTK):c.1735G>A (p.Asp579Asn)

Gene: BTK (Bruton tyrosine kinase; minus strand). Cytogenetic location: Xq22.1.
Variant type: single nucleotide variant.
Coding change: c.1735G>A on transcript NM_000061.3 (MANE Select); coding-DNA position 1735, G replaced by A.
Protein change: p.Asp579Asn; replaces aspartic acid 579 with asparagine.
Molecular consequence: missense variant.
Genome position (GRCh38, 1-based): chrX:101,353,885, C>T on the plus strand (G>A on the coding strand, the complement: BTK is on the minus strand). VCF-style: chrX-101353885-C-T. GRCh37 (hg19) VCF-style: chrX-100608873-C-T.
Other names: c.1837G>A, p.Asp613Asn (NM_001287344.2); c.1207G>A, p.Asp403Asn (NM_001287345.2); short protein forms D403N, D579N, D613N.
Identifiers: ClinVar variation 4847265 (VCV004847265.1).

ClinVar aggregate classification (germline): Uncertain significance (1 of 4 stars; one submission).

Submission:

Women's Health and Genetics/Laboratory Corporation of America, LabCorp
Classification: Uncertain significance. Last evaluated: 2026-03-13. Review status: criteria provided, single submitter. Criteria: LabCorp Variant Classification Summary - May 2015. Collection method: clinical testing. Allele origin: germline.
Comment: Variant summary: BTK c.1735G>A (p.Asp579Asn) results in a conservative amino acid change in the encoded protein sequence. Algorithms developed to predict the effect of missense changes on protein structure and function are either unavailable or do not agree on the potential impact of this missense change. The variant was absent in 183474 control chromosomes (gnomAD). The available data on variant occurrences in the general population are insufficient to allow any conclusion about variant significance. c.1735G>A has been observed in an individual affected with X-linked agammaglobulinemia (Toth_2009). These data do not allow any conclusion about variant significance. To our knowledge, no experimental evidence demonstrating an impact on protein function has been reported. The following publication has been ascertained in the context of this evaluation (PMID: 19419768). No submitters have cited clinical-significance assessments for this variant to ClinVar. Based on the evidence outlined above, the variant was classified as uncertain significance.

Literature cited by the submitters: PubMed 19419768.